The following is an entry in ClinVar:

NM_000334.4(SCN4A):c.4086_4087delinsAT (p.Ile1363Phe)

Genes: GH-LCR (growth hormone locus control region; plus strand), SCN4A (sodium voltage-gated channel alpha subunit 4; minus strand). Cytogenetic location: 17q23.3.
Variant type: Indel.
Coding change: c.4086_4087delinsAT on transcript NM_000334.4 (MANE Select); coding-DNA positions 4086 to 4087, CA replaced by AT.
Protein change: p.Ile1363Phe; replaces isoleucine 1363 with phenylalanine.
Molecular consequence: missense variant.
Genome position (GRCh38, 1-based): chr17:63,943,027-63,943,028, TG replaced by AT on the plus strand (CA replaced by AT on the coding strand, the reverse complement: SCN4A is on the minus strand). VCF-style: chr17-63943027-TG-AT. GRCh37 (hg19) VCF-style: chr17-62020387-TG-AT.
Other names: c.4086_4087delCAinsAT (NM_000334.4); short protein forms I1363F.
Identifiers: ClinVar variation 665895 (VCV000665895.7), dbSNP rs1598405727, ClinGen allele CA915950730.

ClinVar aggregate classification (germline): Uncertain significance (1 of 4 stars; one submission).

Conditions:
Hyperkalemic periodic paralysis. Also called: Familial hyperkalemic periodic paralysis; Gamstorp disease. Identifiers: Orphanet 682, MedGen C0238357, MONDO:0008224, OMIM 170500, HP:0007215.

Submission:

Labcorp Genetics (formerly Invitae), Labcorp
Classification: Uncertain significance for Hyperkalemic periodic paralysis. Last evaluated: 2018-07-18. Review status: criteria provided, single submitter. Criteria: Invitae Variant Classification Sherloc (09022015). Collection method: clinical testing. Allele origin: germline.
Comment: This sequence change replaces isoleucine with phenylalanine at codon 1363 of the SCN4A protein (p.Ile1363Phe). The isoleucine residue is highly conserved and there is a small physicochemical difference between isoleucine and phenylalanine. This variant is not present in population databases (ExAC no frequency). This variant has not been reported in the literature in individuals with SCN4A-related disease. Algorithms developed to predict the effect of missense changes on protein structure and function are either unavailable or do not agree on the potential impact of this missense change (SIFT: "Deleterious"; PolyPhen-2: "Not Available"; Align-GVGD: "Class C15"). In summary, the available evidence is currently insufficient to determine the role of this variant in disease. Therefore, it has been classified as a Variant of Uncertain Significance.